The following is an entry in ClinVar:

NM_003919.3(SGCE):c.484G>A (p.Ala162Thr)

Genes: CASD1 (CAS1 domain sialic acid O acetyltransferase 1; plus strand), SGCE (sarcoglycan epsilon; minus strand). Cytogenetic location: 7q21.3.
Variant type: single nucleotide variant.
Coding change: c.484G>A on transcript NM_003919.3 (MANE Select); coding-DNA position 484, G replaced by A.
Protein change: p.Ala162Thr; replaces alanine 162 with threonine.
Molecular consequence: missense variant.
Genome position (GRCh38, 1-based): chr7:94,618,936, C>T on the plus strand (G>A on the coding strand, the complement: SGCE is on the minus strand). VCF-style: chr7-94618936-C-T. GRCh37 (hg19) VCF-style: chr7-94248248-C-T.
Other names: c.361G>A, p.Ala121Thr (NM_001362809.2, NM_001301139.2); c.484G>A, p.Ala162Thr (NM_001099400.2, NM_001099401.2, NM_001346717.2); c.592G>A, p.Ala198Thr (NM_001346713.2, NM_001346715.2); c.397G>A, p.Ala133Thr (NM_001346719.2, NM_001362807.2); c.211G>A, p.Ala71Thr (NM_001346720.2, NM_001362808.2); short protein forms A198T, A121T, A133T, A71T, A162T.
Identifiers: ClinVar variation 3015124 (VCV003015124.3), dbSNP rs780640982, ClinGen allele CA4348784.

ClinVar aggregate classification (germline): Uncertain significance (1 of 4 stars; one submission).

Conditions:
Myoclonic dystonia 11 (DYT11). Also called: Myoclonic dystonia; Dystonia 11; Dystonia, alcohol responsive; Hereditary essential myoclonus; SGCE Myoclonus-Dystonia; Myoclonus-Dystonia. Identifiers: Orphanet 36899, MedGen C1834570, MONDO:0008044, OMIM 159900.

Allele frequency attached by ClinVar (database versions not stated): gnomAD exomes below 0.00001; ExAC 0.00001.
gnomAD v4.1: 1 of 1,613,392 alleles (0.000062%); highest among the groups gnomAD compares: Admixed American, 0.0017%; no homozygotes.

Submission:

Labcorp Genetics (formerly Invitae), Labcorp
Classification: Uncertain significance for Myoclonic dystonia 11. Last evaluated: 2025-10-28. Review status: criteria provided, single submitter. Criteria: Invitae Variant Classification Sherloc (09022015). Collection method: clinical testing. Allele origin: germline.
Comment: This sequence change replaces alanine, which is neutral and non-polar, with threonine, which is neutral and polar, at codon 162 of the SGCE protein (p.Ala162Thr). This variant is present in population databases (rs780640982, gnomAD 0.006%). This variant has not been reported in the literature in individuals affected with SGCE-related conditions. ClinVar contains an entry for this variant (Variation ID: 3015124). Invitae Evidence Modeling of protein sequence and biophysical properties (such as structural, functional, and spatial information, amino acid conservation, physicochemical variation, residue mobility, and thermodynamic stability) indicates that this missense variant is not expected to disrupt SGCE protein function with a negative predictive value of 80%. In summary, the available evidence is currently insufficient to determine the role of this variant in disease. Therefore, it has been classified as a Variant of Uncertain Significance.